The following is an entry in ClinVar:

ClinVar aggregate classification (germline): Likely benign. Review status: criteria provided, multiple submitters, no conflicts (2 of 4 stars). 3 submissions from 3 submitters: Likely benign (3). Last evaluated 2025-10-11.

Conditions:
Polyhydramnios, megalencephaly, and symptomatic epilepsy (PMSE). Also called: PMSE SYNDROME. Identifiers: Orphanet 500533, MedGen C1970203, MONDO:0012611, OMIM 611087.
STRADA-related disorder. Also called: STRADA-related condition.

Allele frequency attached by ClinVar (database versions not stated): gnomAD exomes 0.00007 and 0.00008; gnomAD 0.00009; TOPMed 0.00017; ExAC 0.00004.
gnomAD v4.1: 133 of 1,614,176 alleles (0.0082%); highest among the groups gnomAD compares: Admixed American, 0.032%; 1 homozygote.

Submissions (3):

Labcorp Genetics (formerly Invitae), Labcorp
Classification: Likely benign for Polyhydramnios, megalencephaly, and symptomatic epilepsy. Last evaluated: 2025-10-11. Review status: criteria provided, single submitter. Criteria: Invitae Variant Classification Sherloc (09022015). Collection method: clinical testing. Allele origin: germline.

Blueprint Genetics
Classification: Likely benign. Last evaluated: 2024-11-21. Review status: criteria provided, single submitter. Criteria: ACMG Guidelines, 2015. Collection method: clinical testing. Allele origin: germline.

PreventionGenetics, part of Exact Sciences
Classification: Likely benign for STRADA-related condition. Last evaluated: 2024-10-03. Review status: criteria provided, single submitter. Criteria: ACMG Guidelines, 2015. Collection method: clinical testing. Allele origin: germline.
Comment: This variant is classified as likely benign based on ACMG/AMP sequence variant interpretation guidelines (Richards et al. 2015 PMID: 25741868, with internal and published modifications).

NM_001003787.4(STRADA):c.303G>A (p.Arg101=)

Gene: STRADA (STE20 related adaptor alpha; minus strand). Cytogenetic location: 17q23.3.
Variant type: single nucleotide variant.
Coding change: c.303G>A on transcript NM_001003787.4 (MANE Select); coding-DNA position 303, G replaced by A.
Protein change: p.Arg101=; no amino-acid change (arginine 101 retained).
Molecular consequence: synonymous variant. On other transcripts: non-coding transcript variant (1).
Genome position (GRCh38, 1-based): chr17:63,713,451, C>T on the plus strand (G>A on the coding strand, the complement: STRADA is on the minus strand). VCF-style: chr17-63713451-C-T. GRCh37 (hg19) VCF-style: chr17-61790811-C-T.
Other names: c.192G>A, p.Arg64= (NM_001003786.3, NM_001363789.1, NM_153335.6); c.129G>A, p.Arg43= (NM_001003788.3, NM_001363790.1, NM_001363791.1); c.216G>A, p.Arg72= (NM_001165969.2, NM_001363787.1); c.171G>A, p.Arg57= (NM_001165970.2); c.279G>A, p.Arg93= (NM_001363786.1); c.303G>A, p.Arg101= (NM_001363788.1).
Identifiers: ClinVar variation 715100 (VCV000715100.12), dbSNP rs761336461, ClinGen allele CA8703439.